The following is an entry in ClinVar:

ClinVar aggregate classification (germline): Uncertain significance. Review status: criteria provided, multiple submitters, no conflicts (2 of 4 stars). 3 submissions from 3 submitters: Uncertain significance (3). Last evaluated 2024-06-07.

Conditions:
Hereditary cancer-predisposing syndrome. Also called: Hereditary Cancer Syndrome; Hereditary neoplastic syndrome; Neoplastic Syndromes, Hereditary; Tumor predisposition. Identifiers: Orphanet 140162, MedGen C0027672, MeSH D009386, MONDO:0015356.
BAP1-related tumor predisposition syndrome (TPDS1). Also called: BAP1 tumor predisposition syndrome; Tumor susceptibility linked to germline BAP1 mutations; COMMON Syndrome; TUMOR PREDISPOSITION SYNDROME 1. Identifiers: Orphanet 289539, MedGen C3280492, MONDO:0013692, OMIM 614327.

gnomAD v4.1: 1 of 1,559,038 alleles (0.000064%); no homozygotes.

Submissions (3):

Labcorp Genetics (formerly Invitae), Labcorp
Classification: Uncertain significance for BAP1-related tumor predisposition syndrome. Last evaluated: 2024-06-07. Review status: criteria provided, single submitter. Criteria: Invitae Variant Classification Sherloc (09022015). Collection method: clinical testing. Allele origin: germline.
Comment: This sequence change replaces glycine, which is neutral and non-polar, with serine, which is neutral and polar, at codon 215 of the BAP1 protein (p.Gly215Ser). This variant is not present in population databases (gnomAD no frequency). This variant has not been reported in the literature in individuals affected with BAP1-related conditions. ClinVar contains an entry for this variant (Variation ID: 1691195). Advanced modeling of protein sequence and biophysical properties (such as structural, functional, and spatial information, amino acid conservation, physicochemical variation, residue mobility, and thermodynamic stability) performed at Invitae indicates that this missense variant is expected to disrupt BAP1 protein function with a positive predictive value of 80%. In summary, the available evidence is currently insufficient to determine the role of this variant in disease. Therefore, it has been classified as a Variant of Uncertain Significance.

GeneDx
Classification: Uncertain significance. Last evaluated: 2024-04-04. Review status: criteria provided, single submitter. Criteria: GeneDx Variant Classification Process June 2021. Collection method: clinical testing. Allele origin: germline. Affected: yes.
Comment: Not observed at significant frequency in large population cohorts (gnomAD); In silico analysis supports that this missense variant has a deleterious effect on protein structure/function; Has not been previously published as pathogenic or benign to our knowledge

Ambry Genetics
Classification: Uncertain significance for Hereditary cancer-predisposing syndrome. Last evaluated: 2024-01-10. Review status: criteria provided, single submitter. Criteria: Ambry Variant Classification Scheme 2023. Collection method: clinical testing. Allele origin: germline.
Comment: The p.G215S variant (also known as c.643G>A), located in coding exon 8 of the BAP1 gene, results from a G to A substitution at nucleotide position 643. The glycine at codon 215 is replaced by serine, an amino acid with similar properties. This amino acid position is highly conserved in available vertebrate species. In addition, the in silico prediction for this alteration is inconclusive. Since supporting evidence is limited at this time, the clinical significance of this alteration remains unclear.

NM_004656.4(BAP1):c.643G>A (p.Gly215Ser)

Gene: BAP1 (BRCA1 associated deubiquitinase 1; minus strand). Cytogenetic location: 3p21.1.
Variant type: single nucleotide variant.
Coding change: c.643G>A on transcript NM_004656.4 (MANE Select); coding-DNA position 643, G replaced by A.
Protein change: p.Gly215Ser; replaces glycine 215 with serine.
Molecular consequence: missense variant.
Genome position (GRCh38, 1-based): chr3:52,406,845, C>T on the plus strand (G>A on the coding strand, the complement: BAP1 is on the minus strand). VCF-style: chr3-52406845-C-T. GRCh37 (hg19) VCF-style: chr3-52440861-C-T.
Other names: short protein forms G215S.
Identifiers: ClinVar variation 1691195 (VCV001691195.10), dbSNP rs1407261660, ClinGen allele CA353108804.
Genomic context (GRCh38, chr3:52,406,845, plus strand): 5'-GTACAGCTCCAGAGAGTAGAACAGGGCAGGCACAGGGCCCTTACCCTGCAGTGGCGAGGC[C>T]GATACGCTCCATGATGACCCGCCGGGCCTTGTCTGTCCACTCCTCGTCCTCCCCCCAGGG-3'
Protein context (NP_004647.1, residues 205-225): KARRVIMERI[Gly215Ser]LATAGEPYHD